The following is an entry in ClinVar:

ClinVar aggregate classification (germline): Uncertain significance (1 of 4 stars; one submission).

gnomAD v4.1: 1 of 1,614,152 alleles (0.000062%); highest among the groups gnomAD compares: Non-Finnish European, 0.000085%; no homozygotes.

Submission:

GeneDx
Classification: Uncertain significance. Last evaluated: 2025-07-26. Review status: criteria provided, single submitter. Criteria: GeneDx Variant Classification Process June 2021. Collection method: clinical testing. Allele origin: germline. Affected: yes.
Comment: Not observed at significant frequency in large population cohorts (gnomAD); In silico analysis supports that this missense variant has a deleterious effect on protein structure/function; Has not been previously published as pathogenic or benign to our knowledge

NM_130839.5(UBE3A):c.1031T>C (p.Ile344Thr)

Genes: SNHG14 (small nucleolar RNA host gene 14; plus strand), UBE3A (ubiquitin protein ligase E3A; minus strand). Cytogenetic location: 15q11.2.
Variant type: single nucleotide variant.
Coding change: c.1031T>C on transcript NM_130839.5 (MANE Select); coding-DNA position 1031, T replaced by C.
Protein change: p.Ile344Thr; replaces isoleucine 344 with threonine.
Molecular consequence: missense variant. On other transcripts: non-coding transcript variant (1), intron variant (2).
Genome position (GRCh38, 1-based): chr15:25,371,143, A>G on the plus strand (T>C on the coding strand, the complement: UBE3A is on the minus strand). VCF-style: chr15-25371143-A-G. GRCh37 (hg19) VCF-style: chr15-25616290-A-G.
Other names: c.971T>C, p.Ile324Thr (NM_130838.4, NM_001354506.2, NM_001354507.2 and 17 more transcripts); c.301+4322T>C (NM_001354551.2); c.361+4322T>C (NM_001354550.2); c.1040T>C, p.Ile347Thr (NM_000462.5); c.1031T>C, p.Ile344Thr (NM_001354505.1, NM_001354538.2, NM_001354545.2); c.854T>C, p.Ile285Thr (NM_001354546.2); short protein forms I285T, I324T, I344T, I347T.
Identifiers: ClinVar variation 4686947 (VCV004686947.1).